The following is an entry in ClinVar:

ClinVar aggregate classification (germline): Uncertain significance. Review status: criteria provided, multiple submitters, no conflicts (2 of 4 stars). 2 submissions from 2 submitters: Uncertain significance (2). Last evaluated 2025-11-10.

Conditions:
Transcobalamin I deficiency (TCN1D). Also called: TCN1 DEFICIENCY; COBALAMIN PSEUDODEFICIENCY DUE TO TRANSCOBALAMIN DEFICIENCY; COBALAMIN R BINDER PROTEIN DEFICIENCY. Identifiers: Orphanet 2967, MedGen C0342700, MONDO:0008659, OMIM 193090.

Allele frequency attached by ClinVar (database versions not stated): ExAC 0.00003; gnomAD 0.00003 and 0.00004; gnomAD exomes 0.00003; TOPMed 0.00004; ESP Exome Variant Server 0.00008.
gnomAD v4.1: 43 of 1,613,924 alleles (0.0027%); highest among the groups gnomAD compares: Non-Finnish European, 0.0036%; no homozygotes.

Submissions (2):

Labcorp Genetics (formerly Invitae), Labcorp
Classification: Uncertain significance for Transcobalamin I deficiency. Last evaluated: 2025-11-10. Review status: criteria provided, single submitter. Criteria: Invitae Variant Classification Sherloc (09022015). Collection method: clinical testing. Allele origin: germline.
Comment: This sequence change replaces serine, which is neutral and polar, with asparagine, which is neutral and polar, at codon 181 of the TCN1 protein (p.Ser181Asn). This variant is present in population databases (rs145017990, gnomAD 0.006%). This variant has not been reported in the literature in individuals affected with TCN1-related conditions. ClinVar contains an entry for this variant (Variation ID: 1386775). An algorithm developed to predict the effect of missense changes on protein structure and function (PolyPhen-2) suggests that this variant is likely to be tolerated. In summary, the available evidence is currently insufficient to determine the role of this variant in disease. Therefore, it has been classified as a Variant of Uncertain Significance.

Ambry Genetics
Classification: Uncertain significance. Last evaluated: 2022-10-12. Review status: criteria provided, single submitter. Criteria: Ambry Variant Classification Scheme 2023. Collection method: clinical testing. Allele origin: germline.

NM_001062.4(TCN1):c.542G>A (p.Ser181Asn)

Gene: TCN1 (transcobalamin 1; minus strand). Cytogenetic location: 11q12.1.
Variant type: single nucleotide variant.
Coding change: c.542G>A on transcript NM_001062.4 (MANE Select); coding-DNA position 542, G replaced by A.
Protein change: p.Ser181Asn; replaces serine 181 with asparagine.
Molecular consequence: missense variant.
Genome position (GRCh38, 1-based): chr11:59,861,541, C>T on the plus strand (G>A on the coding strand, the complement: TCN1 is on the minus strand). VCF-style: chr11-59861541-C-T. GRCh37 (hg19) VCF-style: chr11-59629014-C-T.
Other names: c.542G>A (NM_001062.3); short protein forms S181N.
Identifiers: ClinVar variation 1386775 (VCV001386775.7), dbSNP rs145017990, ClinGen allele CA6021988.